The following is an entry in ClinVar:

ClinVar aggregate classification (germline): Uncertain significance (1 of 4 stars; one submission).

Submission:

GeneDx
Classification: Uncertain significance. Last evaluated: 2024-02-21. Review status: criteria provided, single submitter. Criteria: GeneDx Variant Classification Process June 2021. Collection method: clinical testing. Allele origin: germline. Affected: yes.
Comment: Not observed at significant frequency in large population cohorts (gnomAD); In silico analysis supports that this missense variant does not alter protein structure/function; Has not been previously published as pathogenic or benign to our knowledge

NM_001429.4(EP300):c.536C>T (p.Ala179Val)

Gene: EP300 (E1A binding protein p300; plus strand). Cytogenetic location: 22q13.2.
Variant type: single nucleotide variant.
Coding change: c.536C>T on transcript NM_001429.4 (MANE Select); coding-DNA position 536, C replaced by T.
Protein change: p.Ala179Val; replaces alanine 179 with valine.
Molecular consequence: missense variant.
Genome position (GRCh38, 1-based): chr22:41,117,628, C>T. VCF-style: chr22-41117628-C-T. GRCh37 (hg19) VCF-style: chr22-41513632-C-T.
Other names: c.536C>T, p.Ala179Val (NM_001362843.2); short protein forms A179V.
Identifiers: ClinVar variation 3369483 (VCV003369483.1).